The following is an entry in ClinVar:

ClinVar aggregate classification (germline): Benign/Likely benign. Review status: criteria provided, multiple submitters, no conflicts (2 of 4 stars). 10 submissions from 10 submitters: Benign (6); Likely benign (3). 1 of the submissions does not count toward it. Last evaluated 2026-02-04.

Conditions:
Fanconi anemia (FA). Also called: Fanconi's anemia. Identifiers: Orphanet 84, MedGen C0015625, MeSH D005199, MONDO:0019391.
Fanconi anemia complementation group P. Also called: SLX4-Related Fanconi Anemia. Identifiers: Orphanet 84, MedGen C3469542, MONDO:0013499, OMIM 613951.

Allele frequency attached by ClinVar (database versions not stated): 1000 Genomes Project 0.05491; 1000 Genomes Project 30x 0.05668; gnomAD exomes 0.06174 and 0.06320; TOPMed 0.06264; ExAC 0.06278; gnomAD 0.06323 and 0.06397; ESP Exome Variant Server 0.06507.
gnomAD v4.1: 101,703 of 1,612,600 alleles (6.3%); highest among the groups gnomAD compares: Admixed American, 7%; 3,436 homozygotes.

Submissions (10):

Labcorp Genetics (formerly Invitae), Labcorp
Classification: Benign for Fanconi anemia. Last evaluated: 2026-02-04. Review status: criteria provided, single submitter. Criteria: Invitae Variant Classification Sherloc (09022015). Collection method: clinical testing. Allele origin: germline.

Mayo Clinic Laboratories, Mayo Clinic
Classification: Benign. Last evaluated: 2025-09-15. Review status: criteria provided, single submitter. Criteria: ACMG Guidelines, 2015. Collection method: clinical testing. Allele origin: germline. Observed: 2 variant alleles.

ARUP Laboratories, Molecular Genetics and Genomics, ARUP Laboratories
Classification: Benign for Fanconi anemia complementation group P. Last evaluated: 2025-07-02. Review status: criteria provided, single submitter. Criteria: ARUP Molecular Germline Variant Investigation Process 2024. Collection method: clinical testing. Allele origin: germline.

Blueprint Genetics
Classification: Likely benign. Last evaluated: 2024-11-27. Review status: criteria provided, single submitter. Criteria: ACMG Guidelines, 2015. Collection method: clinical testing. Allele origin: germline.

KCCC/NGS Laboratory, Kuwait Cancer Control Center
Classification: Benign for Fanconi anemia complementation group P. Last evaluated: 2023-07-07. Review status: criteria provided, single submitter. Criteria: ACMG Guidelines, 2015. Collection method: clinical testing. Allele origin: germline. Affected: yes.

GeneDx
Classification: Benign. Last evaluated: 2019-01-22. Review status: criteria provided, single submitter. Criteria: GeneDx Variant Classification Process June 2021. Collection method: clinical testing. Allele origin: germline. Affected: yes.

Illumina Laboratory Services, Illumina
Classification: Likely benign for Fanconi anemia complementation group P. Last evaluated: 2017-04-27. Review status: criteria provided, single submitter. Criteria: ICSL Variant Classification Criteria 13 December 2019. Collection method: clinical testing. Allele origin: germline.
Comment: This variant was observed as part of a predisposition screen in an ostensibly healthy population. A literature search was performed for the gene, cDNA change, and amino acid change (where applicable). No publications were found based on this search. Allele frequency data from public databases allowed determination this variant is unlikely to cause disease. Therefore, this variant is classified as likely benign.

Breakthrough Genomics
Classification: Likely benign. Review status: criteria provided, single submitter. Criteria: ACMG Guidelines, 2015. Collection method: not provided. Allele origin: germline. Inheritance: Autosomal recessive inheritance. Affected: yes.

PreventionGenetics, part of Exact Sciences
Classification: Benign. Review status: criteria provided, single submitter. Criteria: ACMG Guidelines, 2015. Collection method: clinical testing. Allele origin: germline.

Leiden Open Variation Database
Classification: Likely benign. Last evaluated: 2012-08-31. Review status: no assertion criteria provided. Collection method: curation. Allele origin: germline. Affected: yes. Not counted in ClinVar's aggregate classification.
Comment: Curator: Arleen D. Auerbach. Submitter to LOVD: Janine Bakker.

Literature cited by the submitters: PubMed 22911665 (cited by Leiden Open Variation Database).

NM_032444.4(SLX4):c.1371T>G (p.Asn457Lys)

Gene: SLX4 (SLX4 structure-specific endonuclease subunit; minus strand). Cytogenetic location: 16p13.3.
Variant type: single nucleotide variant.
Coding change: c.1371T>G on transcript NM_032444.4 (MANE Select); coding-DNA position 1371, T replaced by G.
Protein change: p.Asn457Lys; replaces asparagine 457 with lysine.
Molecular consequence: missense variant.
Genome position (GRCh38, 1-based): chr16:3,597,691, A>C on the plus strand (T>G on the coding strand, the complement: SLX4 is on the minus strand). VCF-style: chr16-3597691-A-C. GRCh37 (hg19) VCF-style: chr16-3647692-A-C.
Other names: c.1371T>G (NM_032444.3, LRG_503t1); short protein forms N457K.
Identifiers: ClinVar variation 262035 (VCV000262035.32), dbSNP rs74319927, ClinGen allele CA7866535.